The following is an entry in ClinVar:

ClinVar aggregate classification (germline): Uncertain significance (1 of 4 stars; one submission).

Conditions:
Neurodevelopmental disorder with or without autism or seizures (NEDAUS). Identifiers: MedGen C5543225, MONDO:0030994, OMIM 619239.

Submission:

Neuberg Centre For Genomic Medicine, NCGM
Classification: Uncertain significance for Neurodevelopmental disorder with or without autism or seizures. Review status: criteria provided, single submitter. Criteria: ACMG Guidelines, 2015. Collection method: clinical testing. Allele origin: germline. Inheritance: Autosomal dominant inheritance. Affected: yes.
Comment: The missense c.1666T>C(p.Ser556Pro) variant in CUL3 gene has not been reported previously as a pathogenic variant nor as a benign variant, to our knowledge. The p.Ser556Pro variant is absent in gnomAD Exomes and 1000 Genomes. This variant has not been reported to the ClinVar database. The amino acid change p.Ser556Pro in CUL3 is predicted as conserved by GERP++ and PhyloP across 100 vertebrates. The amino acid Ser at position 556 is changed to a Pro changing protein sequence and it might alter its composition and physico-chemical properties. For these reasons, this variant has been classified as Variant of Uncertain Significance (VUS).

NM_003590.5(CUL3):c.1666T>C (p.Ser556Pro)

Gene: CUL3 (cullin 3; minus strand). Cytogenetic location: 2q36.2.
Variant type: single nucleotide variant.
Coding change: c.1666T>C on transcript NM_003590.5 (MANE Select); coding-DNA position 1666, T replaced by C.
Protein change: p.Ser556Pro; replaces serine 556 with proline.
Molecular consequence: missense variant.
Genome position (GRCh38, 1-based): chr2:224,497,794, A>G on the plus strand (T>C on the coding strand, the complement: CUL3 is on the minus strand). VCF-style: chr2-224497794-A-G. GRCh37 (hg19) VCF-style: chr2-225362511-A-G.
Other names: c.1468T>C, p.Ser490Pro (NM_001257197.2); c.1684T>C, p.Ser562Pro (NM_001257198.2); short protein forms S490P, S556P, S562P.
Identifiers: ClinVar variation 3242187 (VCV003242187.1), dbSNP rs2469957176.